The following is an entry in ClinVar:

NM_001430.5(EPAS1):c.1566T>G (p.Asn522Lys)

Gene: EPAS1 (endothelial PAS domain protein 1; plus strand). Cytogenetic location: 2p21.
Variant type: single nucleotide variant.
Coding change: c.1566T>G on transcript NM_001430.5 (MANE Select); coding-DNA position 1566, T replaced by G.
Protein change: p.Asn522Lys; replaces asparagine 522 with lysine.
Molecular consequence: missense variant.
Genome position (GRCh38, 1-based): chr2:46,380,238, T>G. VCF-style: chr2-46380238-T-G. GRCh37 (hg19) VCF-style: chr2-46607377-T-G.
Other names: short protein forms N522K.
Identifiers: ClinVar variation 2626639 (VCV002626639.2), dbSNP rs778938585, ClinGen allele CA1645058.
Genomic context (GRCh38, chr2:46,380,238, plus strand): 5'-GAGGTCGTACCAACCCCCTTGCCTCTTTGCCGGTGCTGTCTCCCCTCAGACGGATTTCAA[T>G]GAGCTGGACTTGGAGACACTGGCACCCTATATCCCCATGGACGGGGAAGACTTCCAGCTA-3'
Protein context (NP_001421.2, residues 512-532): KDQCSTQTDF[Asn522Lys]ELDLETLAPY

ClinVar aggregate classification (germline): Uncertain significance (1 of 4 stars; one submission).

Conditions:
Inborn genetic diseases. Identifiers: MedGen C0950123, MeSH D030342.

Allele frequency attached by ClinVar (database versions not stated): ExAC 0.00001; gnomAD exomes 0.00001.
gnomAD v4.1: 3 of 1,611,954 alleles (0.00019%); highest among the groups gnomAD compares: Non-Finnish European, 0.00025%; no homozygotes.

Submission:

Ambry Genetics
Classification: Uncertain significance for Inborn genetic diseases. Last evaluated: 2023-06-29. Review status: criteria provided, single submitter. Criteria: Ambry Variant Classification Scheme 2023. Collection method: clinical testing. Allele origin: germline.
Comment: The p.N522K variant (also known as c.1566T>G), located in coding exon 12 of the EPAS1 gene, results from a T to G substitution at nucleotide position 1566. The asparagine at codon 522 is replaced by lysine, an amino acid with similar properties. This amino acid position is conserved. In addition, this alteration is predicted to be tolerated by in silico analysis. Since supporting evidence is limited at this time, the clinical significance of this alteration remains unclear.